The following is an entry in ClinVar:

NC_012920.1(MT-TD):m.7576A>G

Gene: MT-TD (mitochondrially encoded tRNA aspartic acid; plus strand).
Variant type: single nucleotide variant.
Genome position: chrM-7576-A-G.
Identifiers: ClinVar variation 690057 (VCV000690057.1), dbSNP rs1603221023, ClinGen allele CA913177464.

ClinVar aggregate classification (germline): Likely benign (1 of 4 stars; one submission).

Conditions:
MELAS syndrome (MELAS). Also called: Juvenile myopathy, encephalopathy, lactic acidosis, stroke. Identifiers: Orphanet 550, MedGen C0162671, MONDO:0010789, OMIM 540000.

Submission:

Wong Mito Lab, Molecular and Human Genetics, Baylor College of Medicine
Classification: Likely benign for MELAS syndrome. Last evaluated: 2019-07-12. Review status: criteria provided, single submitter. Criteria: Modified ACMG Guidelines (Unpublished). Collection method: clinical testing. Allele origin: germline.
Comment: The NC_012920.1:m.7576A>G variant in MT-TD gene is interpreted to be a Likely Benign variant based on the modified ACMG guidelines (unpublished). This variant meets the following evidence codes reported in the guidelines: BP4, BP5

Literature cited by the submitters: PubMed 31965079.